The following is an entry in ClinVar:

NM_020884.5(MYH7B):c.1272_1273del (p.Ser425Cysfs)

Gene: MYH7B (myosin heavy chain 7B; plus strand). Cytogenetic location: 20q11.22.
Variant type: Microsatellite.
Coding change: c.1272_1273del on transcript NM_020884.5; coding-DNA positions 1272 to 1273, 2 bases deleted (AG; older notation c.1272_1273delAG).
Protein change: p.Ser425Cysfs; shifts the reading frame from serine 425.
Molecular consequence: splice donor variant (on NM_020884.7).
Genome position (GRCh38, 1-based): chr20:34,987,287-34,987,288, AG deleted; deleting any 2 consecutive bases within chr20:34,987,284-34,987,288 gives the same sequence; the c. name uses the placement nearest the transcript's 3' end. VCF-style (leftmost placement, unchanged base first): chr20-34987283-TGA-T. GRCh37 (hg19) VCF-style: chr20-33575086-TGA-T.
Other names: c.1147_1147+1del (NM_020884.7).
Identifiers: ClinVar variation 599539 (VCV000599539.4), dbSNP rs771172991, ClinGen allele CA9826810.

ClinVar aggregate classification (germline): Uncertain significance. Review status: criteria provided, single submitter (1 of 4 stars). 2 submissions from 2 submitters: Uncertain significance (1). 1 of the submissions does not count toward it. Last evaluated 2025-10-02.

Conditions:
Short stature. Identifiers: MedGen C0349588, HP:0004322.

Submissions (2):

Labcorp Genetics (formerly Invitae), Labcorp
Classification: Uncertain significance. Last evaluated: 2025-10-02. Review status: criteria provided, single submitter. Criteria: Invitae Variant Classification Sherloc (09022015). Collection method: clinical testing. Allele origin: germline.
Comment: This variant results in the deletion of part of exon 16 (c.1273_1273+1del) of the MYH7B gene. It is expected to disrupt RNA splicing. Variants that disrupt the donor or acceptor splice site typically lead to a loss of protein function (PMID: 16199547), however the current clinical and genetic evidence is not sufficient to establish whether loss-of-function variants in MYH7B cause disease. This variant is present in population databases (rs771172991, gnomAD 0.01%). This variant has not been reported in the literature in individuals affected with MYH7B-related conditions. In summary, the available evidence is currently insufficient to determine the role of this variant in disease. Therefore, it has been classified as a Variant of Uncertain Significance.

Institute of Human Genetics, FAU Erlangen, Friedrich-Alexander-Universität Erlangen-Nürnberg
Classification: Pathogenic for Short stature. Last evaluated: 2001-11-18. Review status: no assertion criteria provided. Collection method: case-control. Allele origin: unknown. Affected: yes. Not counted in ClinVar's aggregate classification.

Literature cited by the submitters: PubMed 16199547 (cited by Labcorp Genetics (formerly Invitae), Labcorp).